The following is an entry in ClinVar:

NM_000059.4(BRCA2):c.5884A>G (p.Ile1962Val)

Gene: BRCA2 (BRCA2 DNA repair associated; plus strand). Cytogenetic location: 13q13.1.
Variant type: single nucleotide variant.
Coding change: c.5884A>G on transcript NM_000059.4 (MANE Select); coding-DNA position 5884, A replaced by G.
Protein change: p.Ile1962Val; replaces isoleucine 1962 with valine.
Molecular consequence: missense variant.
Genome position (GRCh38, 1-based): chr13:32,340,239, A>G. VCF-style: chr13-32340239-A-G. GRCh37 (hg19) VCF-style: chr13-32914376-A-G.
Other names: short protein forms I1962V.
Identifiers: ClinVar variation 531229 (VCV000531229.15), dbSNP rs747406932, ClinGen allele CA6940908.

ClinVar aggregate classification (germline): Conflicting classifications of pathogenicity. Review status: criteria provided, conflicting classifications (1 of 4 stars). 4 submissions from 4 submitters: Uncertain significance (2); Likely benign (1). 1 of the submissions does not count toward it. Last evaluated 2025-12-07.

Conditions:
Hereditary cancer-predisposing syndrome. Also called: Hereditary neoplastic syndrome; Neoplastic Syndromes, Hereditary; Tumor predisposition; Hereditary Cancer Syndrome. Identifiers: Orphanet 140162, MedGen C0027672, MeSH D009386, MONDO:0015356.
Hereditary breast ovarian cancer syndrome. Also called: Hereditary breast and ovarian cancer syndrome (HBOC); BRCA1- and BRCA2-Associated Hereditary Breast and Ovarian Cancer; Hereditary breast and ovarian cancer syndrome; Breast and ovarian cancer; Hereditary breast and ovarian cancer; Hereditary breast and/or ovarian cancer syndrome. Identifiers: Orphanet 145, MedGen C0677776, MeSH D061325, MONDO:0003582. Disease mechanism: loss of function.

Allele frequency attached by ClinVar (database versions not stated): gnomAD exomes below 0.00001 and 0.00001; ExAC 0.00002.
gnomAD v4.1: 1 of 1,614,024 alleles (0.000062%); highest among the groups gnomAD compares: South Asian, 0.0011%; no homozygotes.

Submissions (4):

Ambry Genetics
Classification: Uncertain significance for Hereditary cancer-predisposing syndrome. Last evaluated: 2025-12-07. Review status: criteria provided, single submitter. Criteria: Ambry Variant Classification Scheme 2023. Collection method: clinical testing. Allele origin: germline.
Comment: The p.I1962V variant (also known as c.5884A>G), located in coding exon 10 of the BRCA2 gene, results from an A to G substitution at nucleotide position 5884. The isoleucine at codon 1962 is replaced by valine, an amino acid with highly similar properties. This alteration has been reported in 1/434 Nigerian breast cancer patients (Fackenthal JD et al. Int. J. Cancer, 2012 Sep;131:1114-23). This amino acid position is poorly conserved in available vertebrate species. In addition, this alteration is predicted to be tolerated by in silico analysis. Since supporting evidence is limited at this time, the clinical significance of this alteration remains unclear.

Labcorp Genetics (formerly Invitae), Labcorp
Classification: Uncertain significance for Hereditary breast ovarian cancer syndrome. Last evaluated: 2024-03-06. Review status: criteria provided, single submitter. Criteria: Invitae Variant Classification Sherloc (09022015). Collection method: clinical testing. Allele origin: germline.
Comment: This sequence change replaces isoleucine, which is neutral and non-polar, with valine, which is neutral and non-polar, at codon 1962 of the BRCA2 protein (p.Ile1962Val). This variant is present in population databases (rs747406932, gnomAD 0.004%). This missense change has been observed in individual(s) with breast cancer (PMID: 22034289). ClinVar contains an entry for this variant (Variation ID: 531229). Advanced modeling of protein sequence and biophysical properties (such as structural, functional, and spatial information, amino acid conservation, physicochemical variation, residue mobility, and thermodynamic stability) performed at Invitae indicates that this missense variant is not expected to disrupt BRCA2 protein function with a negative predictive value of 95%. In summary, the available evidence is currently insufficient to determine the role of this variant in disease. Therefore, it has been classified as a Variant of Uncertain Significance.

University of Washington Department of Laboratory Medicine, University of Washington
Classification: Likely benign for Hereditary cancer-predisposing syndrome. Last evaluated: 2023-03-23. Review status: criteria provided, single submitter. Criteria: Dines et al. (Genet Med. 2020). Collection method: curation. Allele origin: germline.
Comment: Missense variant in a coldspot region where missense variants are very unlikely to be pathogenic (PMID:31911673).

BRCA2 exon 11 coldspot. Reclassification based on statistical prior probability.

Mayo Clinic Laboratories, Mayo Clinic
Classification: Uncertain significance. Last evaluated: 2017-06-23. Review status: no assertion criteria provided. Collection method: clinical testing. Allele origin: unknown. Not counted in ClinVar's aggregate classification.

Literature cited by the submitters: PubMed 22034289 (cited by Ambry Genetics and Labcorp Genetics (formerly Invitae), Labcorp).